The following is an entry in ClinVar:

ClinVar aggregate classification (germline): Uncertain significance (1 of 4 stars; one submission).

Submission:

Athena Diagnostics
Classification: Uncertain significance. Last evaluated: 2023-05-08. Review status: criteria provided, single submitter. Criteria: Athena Diagnostics Criteria. Collection method: clinical testing. Allele origin: unknown.
Comment: Available data are insufficient to determine the clinical significance of the variant at this time. This variant has not been reported in large, multi-ethnic general populations. Computational tools predict that this variant is not damaging.

NM_001278064.2(GRM1):c.3341A>T (p.Glu1114Val)

Gene: GRM1 (glutamate metabotropic receptor 1; plus strand). Cytogenetic location: 6q24.3.
Variant type: single nucleotide variant.
Coding change: c.3341A>T on transcript NM_001278064.2 (MANE Select); coding-DNA position 3341, A replaced by T.
Protein change: p.Glu1114Val; replaces glutamic acid 1114 with valine.
Molecular consequence: missense variant. On other transcripts: 3 prime UTR variant (3).
Genome position (GRCh38, 1-based): chr6:146,434,552, A>T. VCF-style: chr6-146434552-A-T. GRCh37 (hg19) VCF-style: chr6-146755688-A-T.
Other names: c.*705A>T (NM_001278065.2); c.*670A>T (NM_001278066.1); c.*579A>T (NM_001278067.1); short protein forms E1114V.
Identifiers: ClinVar variation 2684218 (VCV002684218.1), dbSNP rs2484167621, ClinGen allele CA366193533.